The following is an entry in ClinVar:

ClinVar aggregate classification (germline): Likely pathogenic. Review status: criteria provided, single submitter (1 of 4 stars). 2 submissions from 2 submitters: Likely pathogenic (1). 1 of the submissions does not count toward it. Last evaluated 2025-04-25.

Conditions:
Chopra-Amiel-Gordon syndrome (CAGS). Also called: ANKRD17-Related Neurodevelopmental Syndrome. Identifiers: MedGen C5561975, MONDO:0859186, OMIM 619504.

Submissions (2):

Labcorp Genetics (formerly Invitae), Labcorp
Classification: Likely pathogenic. Last evaluated: 2025-04-25. Review status: criteria provided, single submitter. Criteria: Invitae Variant Classification Sherloc (09022015). Collection method: clinical testing. Allele origin: germline.
Comment: This sequence change replaces leucine, which is neutral and non-polar, with arginine, which is basic and polar, at codon 668 of the ANKRD17 protein (p.Leu668Arg). This variant is not present in population databases (gnomAD no frequency). This missense change has been observed in individual(s) with ANKRD17-related neurodevelopmental disorder (internal data). In at least one individual the variant was observed to be de novo. ClinVar contains an entry for this variant (Variation ID: 1477858). An algorithm developed to predict the effect of missense changes on protein structure and function (PolyPhen-2) suggests that this variant is likely to be disruptive. In summary, the currently available evidence indicates that the variant is pathogenic, but additional data are needed to prove that conclusively. Therefore, this variant has been classified as Likely Pathogenic.

Zotz-Klimas Genetics Lab, MVZ Zotz Klimas
Classification: Likely pathogenic for Chopra-Amiel-Gordon syndrome. Last evaluated: 2023-10-09. Review status: no assertion criteria provided. Collection method: clinical testing. Allele origin: germline. Affected: yes. Not counted in ClinVar's aggregate classification.

NM_032217.5(ANKRD17):c.2003T>G (p.Leu668Arg)

Gene: ANKRD17 (ankyrin repeat domain 17; minus strand). Cytogenetic location: 4q13.3.
Variant type: single nucleotide variant.
Coding change: c.2003T>G on transcript NM_032217.5 (MANE Select); coding-DNA position 2003, T replaced by G.
Protein change: p.Leu668Arg; replaces leucine 668 with arginine.
Molecular consequence: missense variant.
Genome position (GRCh38, 1-based): chr4:73,142,722, A>C on the plus strand (T>G on the coding strand, the complement: ANKRD17 is on the minus strand). VCF-style: chr4-73142722-A-C. GRCh37 (hg19) VCF-style: chr4-74008439-A-C.
Other names: c.1664T>G, p.Leu555Arg (NM_001286771.3); c.2003T>G, p.Leu668Arg (NM_015574.2, NM_198889.3); short protein forms L668R, L555R.
Identifiers: ClinVar variation 1477858 (VCV001477858.9), dbSNP rs2148823766, ClinGen allele CA357224347.